The following is an entry in ClinVar:

NM_003126.4(SPTA1):c.2099A>C (p.Gln700Pro)

Gene: SPTA1 (spectrin alpha, erythrocytic 1; minus strand). Cytogenetic location: 1q23.1.
Variant type: single nucleotide variant.
Coding change: c.2099A>C on transcript NM_003126.4 (MANE Select); coding-DNA position 2099, A replaced by C.
Protein change: p.Gln700Pro; replaces glutamine 700 with proline.
Molecular consequence: missense variant.
Genome position (GRCh38, 1-based): chr1:158,666,437, T>G on the plus strand (A>C on the coding strand, the complement: SPTA1 is on the minus strand). VCF-style: chr1-158666437-T-G. GRCh37 (hg19) VCF-style: chr1-158636227-T-G.
Other names: short protein forms Q700P.
Identifiers: ClinVar variation 4997661 (VCV004997661.1).
Genomic context (GRCh38, chr1:158,666,437, plus strand): 5'-GCCAGGCCTTTCCCATAATCCTCAGAGGTGACTTGCCACTCAACATCCTCCAGCCAGCGC[T>G]GCAAATCTTCTGCATTATTTTCAAATTGCAGCTGCTGGTTGGCCTCATGCAACTGGGTCC-3'
Protein context (NP_003117.2, residues 690-710): LQFENNAEDL[Gln700Pro]RWLEDVEWQV

ClinVar aggregate classification (germline): Uncertain significance (1 of 4 stars; one submission).

Conditions:
SPTA1-related disorder. Also called: SPTA1-related disorders; SPTA1-related condition.

Submission:

PreventionGenetics, part of Exact Sciences
Classification: Uncertain significance for SPTA1-related condition. Last evaluated: 2025-04-10. Review status: criteria provided, single submitter. Criteria: ACMG Guidelines, 2015. Collection method: clinical testing. Allele origin: germline.
Comment: The SPTA1 c.2099A>C variant is predicted to result in the amino acid substitution p.Gln700Pro. To our knowledge, this variant has not been reported in the literature or in a large population database (gnomAD), indicating this variant is rare. At this time, the clinical significance of this variant is uncertain due to the absence of conclusive functional and genetic evidence.